The following is an entry in ClinVar:

ClinVar aggregate classification (germline): Pathogenic. Review status: criteria provided, multiple submitters, no conflicts (2 of 4 stars). 3 submissions from 3 submitters: Pathogenic (3). Last evaluated 2024-06-19.

Conditions:
Hereditary breast ovarian cancer syndrome. Also called: Hereditary breast and/or ovarian cancer syndrome; BRCA1- and BRCA2-Associated Hereditary Breast and Ovarian Cancer; Breast and ovarian cancer; Hereditary breast and ovarian cancer; Hereditary breast and ovarian cancer syndrome; Hereditary breast and ovarian cancer syndrome (HBOC). Identifiers: Orphanet 145, MedGen C0677776, MeSH D061325, MONDO:0003582. Disease mechanism: loss of function.
Hereditary cancer-predisposing syndrome. Also called: Hereditary neoplastic syndrome; Tumor predisposition; Hereditary Cancer Syndrome; Neoplastic Syndromes, Hereditary. Identifiers: Orphanet 140162, MedGen C0027672, MeSH D009386, MONDO:0015356.

Submissions (3):

Labcorp Genetics (formerly Invitae), Labcorp
Classification: Pathogenic for Hereditary breast ovarian cancer syndrome. Last evaluated: 2024-06-19. Review status: criteria provided, single submitter. Criteria: Invitae Variant Classification Sherloc (09022015). Collection method: clinical testing. Allele origin: germline.
Comment: This sequence change creates a premature translational stop signal (p.Asp3272Glyfs*5) in the BRCA2 gene. While this is not anticipated to result in nonsense mediated decay, it is expected to disrupt the last 147 amino acid(s) of the BRCA2 protein. This variant is not present in population databases (gnomAD no frequency). This variant has not been reported in the literature in individuals affected with BRCA2-related conditions. ClinVar contains an entry for this variant (Variation ID: 491394). This variant disrupts a region of the BRCA2 protein in which other variant(s) (p.Tyr3308*, p.Gln3299*) have been determined to be pathogenic (PMID: 17026620, 17515903, 18593900, 18607349, 22711857, 24323938; Invitae). This suggests that this is a clinically significant region of the protein, and that variants that disrupt it are likely to be disease-causing. For these reasons, this variant has been classified as Pathogenic.

Color Diagnostics, LLC DBA Color Health
Classification: Pathogenic for Hereditary cancer-predisposing syndrome. Last evaluated: 2020-10-07. Review status: criteria provided, single submitter. Criteria: ACMG Guidelines, 2015. Collection method: clinical testing. Allele origin: germline.
Comment: This variant inserts 1 nucleotide in exon 27 of the BRCA2 gene, creating a frameshift and premature translation stop signal. This mutant transcript is predicted to escape nonsense-mediated decay and be expressed as a truncated protein. Although functional studies have not been reported, this variant is expected to disrupt the RAD51 binding domain and nuclear localization domain (NLS). In addition, truncating variants occurring downstream of this variant are classified to be disease-causing (ClinVar variation ID: 462540, 479310, 267177, 52916, 52919, 267176, 531239). To our knowledge, this variant has not been reported in individuals affected with hereditary cancer in the literature. This variant has not been identified in the general population by the Genome Aggregation Database (gnomAD). Loss of BRCA2 function is a known mechanism of disease. Based on the available evidence, this variant is classified as Pathogenic.

Ambry Genetics
Classification: Pathogenic for Hereditary cancer-predisposing syndrome. Last evaluated: 2017-10-12. Review status: criteria provided, single submitter. Criteria: Ambry Variant Classification Scheme 2023. Collection method: clinical testing. Allele origin: germline.
Comment: The c.9810dupC pathogenic mutation, located in coding exon 26 of the BRCA2 gene, results from a duplication of C at nucleotide position 9810, causing a translational frameshift with a predicted alternate stop codon (p.D3272Gfs*5). This alteration is expected to result in loss of function by premature protein truncation. As such, this alteration is interpreted as a disease-causing mutation.

Literature cited by the submitters: PubMed 17026620 (cited by Labcorp Genetics (formerly Invitae), Labcorp); PubMed 17515903 (cited by Labcorp Genetics (formerly Invitae), Labcorp); PubMed 18593900 (cited by Labcorp Genetics (formerly Invitae), Labcorp); PubMed 18607349 (cited by Labcorp Genetics (formerly Invitae), Labcorp); PubMed 22711857 (cited by Labcorp Genetics (formerly Invitae), Labcorp); PubMed 24323938 (cited by Labcorp Genetics (formerly Invitae), Labcorp).

NM_000059.4(BRCA2):c.9810dup (p.Asp3272fs)

Gene: BRCA2 (BRCA2 DNA repair associated; plus strand). Cytogenetic location: 13q13.1.
Variant type: Duplication.
Coding change: c.9810dup on transcript NM_000059.4 (MANE Select); coding-DNA position 9810, one base duplicated (C; older notation c.9810dupC).
Protein change: p.Asp3272fs; shifts the reading frame from aspartic acid 3272.
Molecular consequence: frameshift variant.
Genome position (GRCh38, 1-based): chr13:32,398,323, C duplicated; the last of 2 consecutive C bases (chr13:32,398,322-32,398,323); duplicating either gives the same sequence. VCF-style (leftmost placement, unchanged base first): chr13-32398321-G-GC. GRCh37 (hg19) VCF-style: chr13-32972458-G-GC.
Other names: c.9810dupC (NM_000059.3); short protein forms D3272fs.
Identifiers: ClinVar variation 491394 (VCV000491394.16), dbSNP rs1555289966, ClinGen allele CA658683837.